The following is an entry in ClinVar:

NM_000051.4(ATM):c.4465C>T (p.Arg1489Cys)

Gene: ATM (ATM serine/threonine kinase; plus strand). Cytogenetic location: 11q22.3.
Variant type: single nucleotide variant.
Coding change: c.4465C>T on transcript NM_000051.4 (MANE Select); coding-DNA position 4465, C replaced by T.
Protein change: p.Arg1489Cys; replaces arginine 1489 with cysteine.
Molecular consequence: missense variant.
Genome position (GRCh38, 1-based): chr11:108,292,647, C>T. VCF-style: chr11-108292647-C-T. GRCh37 (hg19) VCF-style: chr11-108163374-C-T.
Other names: c.4465C>T, p.Arg1489Cys (NM_001351834.2); short protein forms R1489C.
Identifiers: ClinVar variation 407548 (VCV000407548.49), dbSNP rs754181173, ClinGen allele CA6265479.

ClinVar aggregate classification (germline): Uncertain significance. Review status: criteria provided, multiple submitters, no conflicts (2 of 4 stars). 12 submissions from 12 submitters: Uncertain significance (9). 3 of the submissions do not count toward it. Last evaluated 2025-11-25.

Conditions:
Hereditary cancer-predisposing syndrome. Also called: Neoplastic Syndromes, Hereditary; Hereditary neoplastic syndrome; Tumor predisposition; Hereditary Cancer Syndrome. Identifiers: Orphanet 140162, MedGen C0027672, MeSH D009386, MONDO:0015356.
Familial cancer of breast. Also called: Hereditary breast cancer; BREAST CANCER, FAMILIAL; hereditary breast carcinoma. Identifiers: Orphanet 227535, MedGen C0346153, MONDO:0016419, OMIM 114480. Disease mechanism: loss of function.
Ataxia-telangiectasia syndrome (AT). Also called: Ataxia-telangiectasia, complementation group E; Ataxia-telangiectasia, complementation group D; AT, COMPLEMENTATION GROUP C; ATAXIA-TELANGIECTASIA, COMPLEMENTATION GROUP A; ATAXIA-TELANGIECTASIA, FRESNO VARIANT; Ataxia-telangiectasia. Identifiers: Orphanet 100, MedGen C0004135, MONDO:0008840, OMIM 208900.

Allele frequency attached by ClinVar (database versions not stated): gnomAD 0.00001; gnomAD exomes 0.00001; TOPMed 0.00001; ExAC 0.00002.
gnomAD v4.1: 21 of 1,612,928 alleles (0.0013%); highest among the groups gnomAD compares: Middle Eastern, 0.016%; no homozygotes.

Submissions (12):

Labcorp Genetics (formerly Invitae), Labcorp
Classification: Uncertain significance for Ataxia-telangiectasia syndrome. Last evaluated: 2025-11-25. Review status: criteria provided, single submitter. Criteria: Invitae Variant Classification Sherloc (09022015). Collection method: clinical testing. Allele origin: germline.
Comment: This sequence change replaces arginine, which is basic and polar, with cysteine, which is neutral and slightly polar, at codon 1489 of the ATM protein (p.Arg1489Cys). This variant is present in population databases (rs754181173, gnomAD 0.002%). This variant has not been reported in the literature in individuals affected with ATM-related conditions. ClinVar contains an entry for this variant (Variation ID: 407548). Invitae Evidence Modeling of protein sequence and biophysical properties (such as structural, functional, and spatial information, amino acid conservation, physicochemical variation, residue mobility, and thermodynamic stability) indicates that this missense variant is not expected to disrupt ATM protein function with a negative predictive value of 95%. In summary, the available evidence is currently insufficient to determine the role of this variant in disease. Therefore, it has been classified as a Variant of Uncertain Significance.

CeGaT Center for Human Genetics Tuebingen
Classification: Uncertain significance. Last evaluated: 2025-09-01. Review status: criteria provided, single submitter. Criteria: CeGaT Center For Human Genetics Tuebingen Variant Classification Criteria Version 2. Collection method: clinical testing. Allele origin: germline. Affected: yes. Observed: 1 variant allele.
Comment: ATM: PM2, BP4

Ambry Genetics
Classification: Uncertain significance for Hereditary cancer-predisposing syndrome. Last evaluated: 2025-06-06. Review status: criteria provided, single submitter. Criteria: Ambry Variant Classification Scheme 2023. Collection method: clinical testing. Allele origin: germline.
Comment: The p.R1489C variant (also known as c.4465C>T), located in coding exon 29 of the ATM gene, results from a C to T substitution at nucleotide position 4465. The arginine at codon 1489 is replaced by cysteine, an amino acid with highly dissimilar properties. This amino acid position is well conserved in available vertebrate species. In addition, this alteration is predicted to be deleterious by in silico analysis. Based on the available evidence, the clinical significance of this variant remains unclear.

Baylor Genetics
Classification: Uncertain significance for Familial cancer of breast. Last evaluated: 2024-03-17. Review status: criteria provided, single submitter. Criteria: ACMG Guidelines, 2015. Collection method: clinical testing. Allele origin: unknown.

Color Diagnostics, LLC DBA Color Health
Classification: Uncertain significance for Hereditary cancer-predisposing syndrome. Last evaluated: 2023-12-06. Review status: criteria provided, single submitter. Criteria: ACMG Guidelines, 2015. Collection method: clinical testing. Allele origin: germline.
Comment: This missense variant replaces arginine with cysteine at codon 1489 of the ATM protein. Computational prediction is inconclusive regarding the impact of this variant on protein structure and function. To our knowledge, functional studies have not been reported for this variant. In a large international case-control study, this variant was reported in 3/60463 breast cancer cases and absent in 53461 controls (PMID: 33471991). This variant has been identified in 2/251294 chromosomes in the general population by the Genome Aggregation Database (gnomAD). The available evidence is insufficient to determine the role of this variant in disease conclusively. Therefore, this variant is classified as a Variant of Uncertain Significance.

GeneDx
Classification: Uncertain significance. Last evaluated: 2022-05-08. Review status: criteria provided, single submitter. Criteria: GeneDx Variant Classification Process June 2021. Collection method: clinical testing. Allele origin: germline. Affected: yes.
Comment: Not observed at a significant frequency in large population cohorts (gnomAD); In silico analysis supports that this missense variant has a deleterious effect on protein structure/function; Has not been previously published as germline pathogenic or benign to our knowledge; This variant is associated with the following publications: (PMID: 28652578, 28481359, 29484624, 33471991)

Women's Health and Genetics/Laboratory Corporation of America, LabCorp
Classification: Uncertain significance. Last evaluated: 2021-11-14. Review status: criteria provided, single submitter. Criteria: LabCorp Variant Classification Summary - May 2015. Collection method: clinical testing. Allele origin: germline.
Comment: Variant summary: ATM c.4465C>T (p.Arg1489Cys) results in a non-conservative amino acid change in the encoded protein sequence. Four of five in-silico tools predict a damaging effect of the variant on protein function. The variant allele was found at a frequency of 1.1e-05 in 269134 control chromosomes, however the available data on variant occurrences in the general population are insufficient to allow any conclusion about variant significance. c.4465C>T has not been reported in the literature in individuals affected with Ataxia-Telangiectasia, however they have been reported in individuals affected with Breast Cancer (Dorling_2021). This report does not provide unequivocal conclusions about association of the variant with Ataxia-Telangiectasia or Breast Cancer. To our knowledge, no experimental evidence demonstrating an impact on protein function has been reported. Six clinical diagnostic laboratories have submitted clinical-significance assessments for this variant to ClinVar after 2014 without evidence for independent evaluation. All laboratories classified the variant as uncertain significance. Based on the evidence outlined above, the variant was classified as uncertain significance.

Illumina Laboratory Services, Illumina
Classification: Uncertain significance for Ataxia-telangiectasia syndrome. Last evaluated: 2018-01-12. Review status: criteria provided, single submitter. Criteria: ICSL Variant Classification Criteria 13 December 2019. Collection method: clinical testing. Allele origin: germline.

Genetic Services Laboratory, University of Chicago
Classification: Uncertain significance. Last evaluated: 2016-10-12. Review status: criteria provided, single submitter. Criteria: ACMG Guidelines, 2015. Collection method: clinical testing. Allele origin: germline. Affected: no.

Natera, Inc.
Classification: Uncertain significance for Ataxia-telangiectasia. Last evaluated: 2020-08-12. Review status: no assertion criteria provided. Collection method: clinical testing. Allele origin: germline. Not counted in ClinVar's aggregate classification.

Diagnostic Laboratory, Department of Genetics, University Medical Center Groningen
Classification: Uncertain significance. Review status: no assertion criteria provided. Collection method: clinical testing. Allele origin: germline. Affected: yes. Study: VKGL Data-share Consensus. Not counted in ClinVar's aggregate classification.

Joint Genome Diagnostic Labs from Nijmegen and Maastricht, Radboudumc and MUMC+
Classification: Uncertain significance. Review status: no assertion criteria provided. Collection method: clinical testing. Allele origin: germline. Affected: yes. Study: VKGL Data-share Consensus. Not counted in ClinVar's aggregate classification.

Literature cited by the submitters: PubMed 33471991 (cited by Color Diagnostics, LLC DBA Color Health and Women's Health and Genetics/Laboratory Corporation of America, LabCorp); PubMed 28652578 (cited by Women's Health and Genetics/Laboratory Corporation of America, LabCorp).